The following is an entry in ClinVar:

NC_000019.10:g.(?_1218417)_(1219413_?)del

Gene: STK11 (serine/threonine kinase 11; plus strand). Cytogenetic location: 19p13.3.
Variant type: Deletion.
Identifiers: ClinVar variation 417315 (VCV000417315.1).

ClinVar aggregate classification (germline): Pathogenic (1 of 4 stars; one submission).

Conditions:
Peutz-Jeghers syndrome (PJS). Also called: Peutz-Jeghers polyposis; Periorificial lentiginosis syndrome; POLYPOSIS, HAMARTOMATOUS INTESTINAL; POLYPS-AND-SPOTS SYNDROME. Identifiers: Orphanet 2869, MedGen C0031269, MeSH D010580, MONDO:0008280, OMIM 175200.

Submission:

Labcorp Genetics (formerly Invitae), Labcorp
Classification: Pathogenic for Peutz-Jeghers syndrome. Last evaluated: 2016-04-14. Review status: criteria provided, single submitter. Criteria: Invitae Variant Classification Sherloc (09022015). Collection method: clinical testing. Allele origin: germline.
Comment: This variant is a gross deletion of the genomic region encompassing exons 2-3 of the STK11 gene. This is expected to lead to an in-frame deletion (p.Glu98_Gly155del), preserving the integrity of the reading frame. Deletions of exons 2-3 have been reported in many individuals and families affected with Peutz-Jeghers syndrome (PJS) (PMID: 20435009, 20623358, 16287113, 22775437, 25841653, 21118512). These deletions may represent one of the most common copy number variations reported in individuals with PJS. Their prevalence is not restricted to a confined geographical region, but appears to be worldwide (PMID: 25841653). Experimental studies have shown that mRNA isolated from an affected individual carrying this variant exhibited skipping of exons 2-3 (PMID: 21118512). For these reasons, this variant has been classified as Pathogenic.